The following is an entry in ClinVar:

NM_004928.3(CFAP410):c.374-3A>T

Gene: CFAP410 (cilia and flagella associated protein 410; minus strand). Cytogenetic location: 21q22.3.
Variant type: single nucleotide variant.
Coding change: c.374-3A>T on transcript NM_004928.3 (MANE Select); 3 bases into the intron before coding-DNA position 374, A replaced by T.
Molecular consequence: intron variant.
Genome position (GRCh38, 1-based): chr21:44,332,017, T>A on the plus strand (A>T on the coding strand, the complement: CFAP410 is on the minus strand). VCF-style: chr21-44332017-T-A. GRCh37 (hg19) VCF-style: chr21-45751900-T-A.
Other names: c.374-3A>T (NM_001271440.2, NM_001271441.2); c.251-3A>T (NM_001271442.1).
Identifiers: ClinVar variation 942464 (VCV000942464.47), dbSNP rs770721510, ClinGen allele CA10053692.

ClinVar aggregate classification (germline): Uncertain significance. Review status: criteria provided, multiple submitters, no conflicts (2 of 4 stars). 3 submissions from 3 submitters: Uncertain significance (3). Last evaluated 2024-02-01.

Allele frequency attached by ClinVar (database versions not stated): gnomAD exomes below 0.00001; ExAC 0.00001.

Submissions (3):

CeGaT Center for Human Genetics Tuebingen
Classification: Uncertain significance. Last evaluated: 2024-02-01. Review status: criteria provided, single submitter. Criteria: CeGaT Center For Human Genetics Tuebingen Variant Classification Criteria Version 2. Collection method: clinical testing. Allele origin: germline. Affected: yes. Observed: 2 variant alleles.
Comment: CFAP410: PM2, BP4

Blueprint Genetics
Classification: Uncertain significance. Last evaluated: 2022-04-07. Review status: criteria provided, single submitter. Criteria: ACMG Guidelines, 2015. Collection method: clinical testing. Allele origin: germline.

Labcorp Genetics (formerly Invitae), Labcorp
Classification: Uncertain significance. Last evaluated: 2022-02-03. Review status: criteria provided, single submitter. Criteria: Invitae Variant Classification Sherloc (09022015). Collection method: clinical testing. Allele origin: germline.
Comment: In summary, the available evidence is currently insufficient to determine the role of this variant in disease. Therefore, it has been classified as a Variant of Uncertain Significance. Variants that disrupt the consensus splice site are a relatively common cause of aberrant splicing (PMID: 17576681, 9536098). Algorithms developed to predict the effect of sequence changes on RNA splicing suggest that this variant is not likely to affect RNA splicing. ClinVar contains an entry for this variant (Variation ID: 942464). This variant has been observed in individuals with retinitis pigmentosa (PMID: 30543658). This variant is not present in population databases (gnomAD no frequency). This sequence change falls in intron 4 of the CFAP410 gene. It does not directly change the encoded amino acid sequence of the CFAP410 protein. It affects a nucleotide within the consensus splice site.

Literature cited by the submitters: PubMed 17576681 (cited by Labcorp Genetics (formerly Invitae), Labcorp); PubMed 9536098 (cited by Labcorp Genetics (formerly Invitae), Labcorp); PubMed 30543658 (cited by Labcorp Genetics (formerly Invitae), Labcorp).